The following is an entry in ClinVar:

ClinVar aggregate classification (germline): Uncertain significance. Review status: criteria provided, multiple submitters, no conflicts (2 of 4 stars). 5 submissions from 5 submitters: Uncertain significance (5). Last evaluated 2026-02-02.

Conditions:
Alstrom syndrome (ALMS). Identifiers: Orphanet 64, MedGen C0268425, MONDO:0008763, OMIM 203800.
Cardiovascular phenotype. Identifiers: MedGen CN230736.

Allele frequency attached by ClinVar (database versions not stated): gnomAD exomes 0.00003; ExAC 0.00006; gnomAD 0.00007 and 0.00009; TOPMed 0.00010; 1000 Genomes Project 0.00080; 1000 Genomes Project 30x 0.00094.
gnomAD v4.1: 19 of 1,613,956 alleles (0.0012%); highest among the groups gnomAD compares: African/African-American, 0.02%; no homozygotes.

Submissions (5):

Labcorp Genetics (formerly Invitae), Labcorp
Classification: Uncertain significance for Alstrom syndrome. Last evaluated: 2026-02-02. Review status: criteria provided, single submitter. Criteria: Invitae Variant Classification Sherloc (09022015). Collection method: clinical testing. Allele origin: germline.
Comment: This sequence change replaces isoleucine, which is neutral and non-polar, with phenylalanine, which is neutral and non-polar, at codon 507 of the ALMS1 protein (p.Ile507Phe). This variant is present in population databases (rs555552377, gnomAD 0.03%). This variant has not been reported in the literature in individuals affected with ALMS1-related conditions. ClinVar contains an entry for this variant (Variation ID: 576016). An algorithm developed to predict the effect of missense changes on protein structure and function outputs the following: PolyPhen-2: "Not Available". The phenylalanine amino acid residue is found in multiple mammalian species, which suggests that this missense change does not adversely affect protein function. In summary, the available evidence is currently insufficient to determine the role of this variant in disease. Therefore, it has been classified as a Variant of Uncertain Significance.

Ambry Genetics
Classification: Uncertain significance for Cardiovascular phenotype. Last evaluated: 2025-04-15. Review status: criteria provided, single submitter. Criteria: Ambry Variant Classification Scheme 2023. Collection method: clinical testing. Allele origin: germline.
Comment: The p.I507F variant (also known as c.1519A>T), located in coding exon 8 of the ALMS1 gene, results from an A to T substitution at nucleotide position 1519. The isoleucine at codon 507 is replaced by phenylalanine, an amino acid with highly similar properties. This amino acid position is not well conserved in available vertebrate species. In addition, this alteration is predicted to be tolerated by in silico analysis. Since supporting evidence is limited at this time, the clinical significance of this alteration remains unclear.

GeneDx
Classification: Uncertain significance. Last evaluated: 2023-07-11. Review status: criteria provided, single submitter. Criteria: GeneDx Variant Classification Process June 2021. Collection method: clinical testing. Allele origin: germline. Affected: yes.
Comment: In silico analysis supports that this missense variant does not alter protein structure/function; Has not been previously published as pathogenic or benign to our knowledge; This variant is associated with the following publications: (PMID: 26582918)

Fulgent Genetics
Classification: Uncertain significance for Alstrom syndrome. Last evaluated: 2022-05-08. Review status: criteria provided, single submitter. Criteria: ACMG Guidelines, 2015. Collection method: clinical testing. Allele origin: unknown.

New York Genome Center
Classification: Uncertain significance for Alstrom syndrome. Last evaluated: 2022-04-06. Review status: criteria provided, single submitter. Criteria: NYGC Assertion Criteria 2020. Collection method: clinical testing. Allele origin: germline. Observed: 1 heterozygote.

NM_001378454.1(ALMS1):c.1516A>T (p.Ile506Phe)

Gene: ALMS1 (ALMS1 centrosome and basal body associated protein; plus strand). Cytogenetic location: 2p13.1.
Variant type: single nucleotide variant.
Coding change: c.1516A>T on transcript NM_001378454.1 (MANE Select); coding-DNA position 1516, A replaced by T.
Protein change: p.Ile506Phe; replaces isoleucine 506 with phenylalanine.
Molecular consequence: missense variant.
Genome position (GRCh38, 1-based): chr2:73,448,043, A>T. VCF-style: chr2-73448043-A-T. GRCh37 (hg19) VCF-style: chr2-73675173-A-T.
Other names: c.1519A>T, p.Ile507Phe (NM_015120.4); short protein forms I507F, I506F.
Identifiers: ClinVar variation 576016 (VCV000576016.13), dbSNP rs555552377, ClinGen allele CA1713187.